The following is an entry in ClinVar:

NM_201384.3(PLEC):c.4090G>A (p.Glu1364Lys)

Gene: PLEC (plectin; minus strand). Cytogenetic location: 8q24.3.
Variant type: single nucleotide variant.
Coding change: c.4090G>A on transcript NM_201384.3 (MANE Select); coding-DNA position 4090, G replaced by A.
Protein change: p.Glu1364Lys; replaces glutamic acid 1364 with lysine.
Molecular consequence: missense variant.
Genome position (GRCh38, 1-based): chr8:143,925,839, C>T on the plus strand (G>A on the coding strand, the complement: PLEC is on the minus strand). VCF-style: chr8-143925839-C-T. GRCh37 (hg19) VCF-style: chr8-145000007-C-T.
Other names: c.4171G>A, p.Glu1391Lys (NM_000445.5); c.4048G>A, p.Glu1350Lys (NM_201378.4); c.4024G>A, p.Glu1342Lys (NM_201379.3); c.4501G>A, p.Glu1501Lys (NM_201380.4); c.3994G>A, p.Glu1332Lys (NM_201381.3); c.4090G>A, p.Glu1364Lys (NM_201382.4); c.4102G>A, p.Glu1368Lys (NM_201383.3); c.4171G>A (NM_000445.3); short protein forms E1332K, E1342K, E1350K, E1364K, E1368K, E1391K, E1501K.
Identifiers: ClinVar variation 497026 (VCV000497026.12), dbSNP rs374203605, ClinGen allele CA4926771.

ClinVar aggregate classification (germline): Uncertain significance. Review status: criteria provided, multiple submitters, no conflicts (2 of 4 stars). 4 submissions from 4 submitters: Uncertain significance (4). Last evaluated 2025-08-09.

Conditions:
Inborn genetic diseases. Identifiers: MedGen C0950123, MeSH D030342.
Epidermolysis bullosa simplex 5B, with muscular dystrophy (EBS5B). Also called: EPIDERMOLYSIS BULLOSA SIMPLEX AND LIMB-GIRDLE MUSCULAR DYSTROPHY; Epidermolysis bullosa simplex with muscular dystrophy. Identifiers: Orphanet 257, MedGen C2931072, MONDO:0009181, OMIM 226670.
Epidermolysis bullosa simplex, Ogna type (EBS5A). Also called: Pidermolysis bullosa simplex 5A, Ogna type; EPIDERMOLYSIS BULLOSA SIMPLEX 5A, OGNA TYPE. Identifiers: Orphanet 79401, MedGen C0432317, MONDO:0007555, OMIM 131950.
Autosomal recessive limb-girdle muscular dystrophy type 2Q (LGMDR17). Also called: MUSCULAR DYSTROPHY, LIMB-GIRDLE, AUTOSOMAL RECESSIVE 17. Identifiers: Orphanet 254361, MedGen C3150989, MONDO:0013390, OMIM 613723.
Epidermolysis bullosa simplex 5C, with pyloric atresia (EBS5C). Also called: Epidermolysis bullosa simplex with pyloric atresia; PLEC1-Related Epidermolysis Bullosa with Pyloric Atresia; PLEC-Related Epidermolysis Bullosa with Pyloric Atresia. Identifiers: Orphanet 158684, MedGen C2677349, MONDO:0012807, OMIM 612138.
Epidermolysis bullosa simplex with nail dystrophy (EBS5D). Identifiers: MedGen C4225309, MONDO:0014661, OMIM 616487.

Allele frequency attached by ClinVar (database versions not stated): gnomAD 0.00001; gnomAD exomes 0.00001; ExAC 0.00005.
gnomAD v4.1: 10 of 1,551,200 alleles (0.00064%); highest among the groups gnomAD compares: South Asian, 0.0035%; no homozygotes.

Submissions (4):

Ambry Genetics
Classification: Uncertain significance for Inborn genetic diseases. Last evaluated: 2025-08-09. Review status: criteria provided, single submitter. Criteria: Ambry Variant Classification Scheme 2023. Collection method: clinical testing. Allele origin: germline.

Revvity Omics, Revvity
Classification: Uncertain significance. Last evaluated: 2023-06-15. Review status: criteria provided, single submitter. Criteria: ACMG Guidelines, 2015. Collection method: clinical testing. Allele origin: germline.

Labcorp Genetics (formerly Invitae), Labcorp
Classification: Uncertain significance for Autosomal recessive limb-girdle muscular dystrophy type 2Q; Epidermolysis bullosa simplex, Ogna type; Epidermolysis bullosa simplex with nail dystrophy; Epidermolysis bullosa simplex 5C, with pyloric atresia; Epidermolysis bullosa simplex 5B, with muscular dystrophy. Last evaluated: 2022-06-19. Review status: criteria provided, single submitter. Criteria: Invitae Variant Classification Sherloc (09022015). Collection method: clinical testing. Allele origin: germline.
Comment: In summary, the available evidence is currently insufficient to determine the role of this variant in disease. Therefore, it has been classified as a Variant of Uncertain Significance. Algorithms developed to predict the effect of missense changes on protein structure and function are either unavailable or do not agree on the potential impact of this missense change (SIFT: "Deleterious"; PolyPhen-2: "Not Available"; Align-GVGD: "Class C55"). ClinVar contains an entry for this variant (Variation ID: 497026). This variant has not been reported in the literature in individuals affected with PLEC-related conditions. This variant is present in population databases (rs374203605, gnomAD 0.004%). This sequence change replaces glutamic acid, which is acidic and polar, with lysine, which is basic and polar, at codon 1391 of the PLEC protein (p.Glu1391Lys).

Eurofins Ntd Llc (ga)
Classification: Uncertain significance. Last evaluated: 2017-04-20. Review status: criteria provided, single submitter. Criteria: EGL Classification Definitions 2015. Collection method: clinical testing. Allele origin: germline. Observed: 2 variant alleles, 2 heterozygotes.